The following is an entry in ClinVar:

ClinVar aggregate classification (germline): Pathogenic (1 of 4 stars; one submission).

Submission:

Labcorp Genetics (formerly Invitae), Labcorp
Classification: Pathogenic. Last evaluated: 2023-09-28. Review status: criteria provided, single submitter. Criteria: Invitae Variant Classification Sherloc (09022015). Collection method: clinical testing. Allele origin: germline.
Comment: This sequence change creates a premature translational stop signal (p.Trp1558*) in the CACNA1F gene. It is expected to result in an absent or disrupted protein product. Loss-of-function variants in CACNA1F are known to be pathogenic (PMID: 9662399, 11281458, 17525176, 22194652, 24124559, 26992781). This variant is not present in population databases (gnomAD no frequency). This variant has not been reported in the literature in individuals affected with CACNA1F-related conditions. For these reasons, this variant has been classified as Pathogenic.

Literature cited by the submitters: PubMed 9662399; PubMed 11281458; PubMed 17525176; PubMed 22194652; PubMed 24124559; PubMed 26992781.

NM_001256789.3(CACNA1F):c.4640G>A (p.Trp1547Ter)

Genes: CACNA1F (calcium voltage-gated channel subunit alpha1 F; minus strand), LOC126863257 (BRD4-independent group 4 enhancer GRCh37_chrX:49065732-49066931; plus strand). Cytogenetic location: Xp11.23.
Variant type: single nucleotide variant.
Coding change: c.4640G>A on transcript NM_001256789.3 (MANE Select); coding-DNA position 4640, G replaced by A.
Protein change: p.Trp1547Ter; replaces tryptophan 1547 with a stop codon.
Molecular consequence: nonsense.
Genome position (GRCh38, 1-based): chrX:49,209,991, C>T on the plus strand (G>A on the coding strand, the complement: CACNA1F is on the minus strand). VCF-style: chrX-49209991-C-T. GRCh37 (hg19) VCF-style: chrX-49066451-C-T.
Other names: c.4478G>A, p.Trp1493Ter (NM_001256790.3); c.4673G>A, p.Trp1558Ter (NM_005183.4); short protein forms W1493*, W1547*, W1558*.
Identifiers: ClinVar variation 2764086 (VCV002764086.3), dbSNP rs2520757940, ClinGen allele CA412960553.